The following is an entry in ClinVar:

ClinVar aggregate classification (germline): Uncertain significance. Review status: criteria provided, multiple submitters, no conflicts (2 of 4 stars). 2 submissions from 2 submitters: Uncertain significance (2). Last evaluated 2025-04-16.

Conditions:
Hereditary cancer-predisposing syndrome. Also called: Hereditary neoplastic syndrome; Hereditary Cancer Syndrome; Neoplastic Syndromes, Hereditary; Tumor predisposition. Identifiers: Orphanet 140162, MedGen C0027672, MeSH D009386, MONDO:0015356.
Lynch syndrome. Identifiers: Orphanet 144, MedGen C4552100, MONDO:0005835. Disease mechanism: loss of function.

Allele frequency attached by ClinVar (database versions not stated): gnomAD exomes below 0.00001; ExAC 0.00001.
gnomAD v4.1: 1 of 1,614,210 alleles (0.000062%); highest among the groups gnomAD compares: Non-Finnish European, 0.000085%; no homozygotes.

Submissions (2):

Ambry Genetics
Classification: Uncertain significance for Hereditary cancer-predisposing syndrome. Last evaluated: 2025-04-16. Review status: criteria provided, single submitter. Criteria: Ambry Variant Classification Scheme 2023. Collection method: clinical testing. Allele origin: germline.
Comment: The p.N335H variant (also known as c.1003A>C), located in coding exon 4 of the MSH6 gene, results from an A to C substitution at nucleotide position 1003. The asparagine at codon 335 is replaced by histidine, an amino acid with similar properties. This amino acid position is poorly conserved in available vertebrate species. In addition, this alteration is predicted to be tolerated by in silico analysis. Based on the available evidence, the clinical significance of this variant remains unclear.

All of Us Research Program, National Institutes of Health
Classification: Uncertain significance for Lynch syndrome. Last evaluated: 2023-08-15. Review status: criteria provided, single submitter. Criteria: ACMG Guidelines, 2015. Collection method: clinical testing. Allele origin: germline. Inheritance: Autosomal dominant inheritance. Observed: 1 variant allele, 1 heterozygote.
Comment: This study involves interpretation of variants in research participants for the purpose of population health screening. Participant phenotype was not available at the time of variant classification. Additional details can be found in publication PMID: 35346344, PMCID: PMC8962531

NM_000179.3(MSH6):c.1003A>C (p.Asn335His)

Gene: MSH6 (mutS homolog 6; plus strand). Cytogenetic location: 2p16.3.
Variant type: single nucleotide variant.
Coding change: c.1003A>C on transcript NM_000179.3 (MANE Select); coding-DNA position 1003, A replaced by C.
Protein change: p.Asn335His; replaces asparagine 335 with histidine.
Molecular consequence: missense variant. On other transcripts: non-coding transcript variant (4), intron variant (1).
Genome position (GRCh38, 1-based): chr2:47,798,986, A>C. VCF-style: chr2-47798986-A-C. GRCh37 (hg19) VCF-style: chr2-48026125-A-C.
Other names: c.613A>C, p.Asn205His (NM_001281492.2); c.97A>C, p.Asn33His (NM_001281493.2, NM_001281494.2, NM_001406811.1 and 6 more transcripts); c.1099A>C, p.Asn367His (NM_001406795.1, NM_001406802.1); c.1003A>C, p.Asn335His (NM_001406796.1, NM_001406798.1, NM_001406800.1 and 4 more transcripts); c.706A>C, p.Asn236His (NM_001406797.1, NM_001406801.1, NM_001406805.1 and 10 more transcripts); c.478A>C, p.Asn160His (NM_001406799.1, NM_001406806.1, NM_001406807.1); c.925A>C, p.Asn309His (NM_001406804.1); c.1009A>C, p.Asn337His (NM_001406813.1); and 2 more; short protein forms N160H, N205H, N236H, N279H, N309H, N335H, N337H, N33H.
Identifiers: ClinVar variation 3072507 (VCV003072507.2), dbSNP rs761231126, ClinGen allele CA067016.